The following is an entry in ClinVar:

ClinVar aggregate classification (germline): Likely benign (0 of 4 stars; one submission).

Conditions:
PLXNA4-related disorder. Also called: PLXNA4-related condition.

Allele frequency attached by ClinVar (database versions not stated): gnomAD 0.00002; TOPMed 0.00002; gnomAD exomes 0.00003; ExAC 0.00006; ESP Exome Variant Server 0.00008.
gnomAD v4.1: 46 of 1,613,504 alleles (0.0029%); highest among the groups gnomAD compares: South Asian, 0.0033%; no homozygotes.

Submission:

PreventionGenetics, part of Exact Sciences
Classification: Likely benign for PLXNA4-related condition. Last evaluated: 2023-01-30. Review status: no assertion criteria provided. Collection method: clinical testing. Allele origin: germline.
Comment: This variant is classified as likely benign based on ACMG/AMP sequence variant interpretation guidelines (Richards et al. 2015 PMID: 25741868, with internal and published modifications).

NM_020911.2(PLXNA4):c.5226-4G>A

Gene: PLXNA4 (plexin A4; minus strand). Cytogenetic location: 7q32.3.
Variant type: single nucleotide variant.
Coding change: c.5226-4G>A on transcript NM_020911.2 (MANE Select); 4 bases into the intron before coding-DNA position 5226, G replaced by A.
Molecular consequence: intron variant.
Genome position (GRCh38, 1-based): chr7:132,140,815, C>T on the plus strand (G>A on the coding strand, the complement: PLXNA4 is on the minus strand). VCF-style: chr7-132140815-C-T. GRCh37 (hg19) VCF-style: chr7-131825574-C-T.
Other names: c.5226-4G>A (NM_001393897.1).
Identifiers: ClinVar variation 3054566 (VCV003054566.2), dbSNP rs371701043, ClinGen allele CA4488953.